The following is an entry in ClinVar:

NM_001364171.2(ODAD1):c.1786C>T (p.His596Tyr)

Gene: ODAD1 (outer dynein arm docking complex subunit 1; minus strand). Cytogenetic location: 19q13.33.
Variant type: single nucleotide variant.
Coding change: c.1786C>T on transcript NM_001364171.2 (MANE Select); coding-DNA position 1786, C replaced by T.
Protein change: p.His596Tyr; replaces histidine 596 with tyrosine.
Molecular consequence: missense variant.
Genome position (GRCh38, 1-based): chr19:48,297,314, G>A on the plus strand (C>T on the coding strand, the complement: ODAD1 is on the minus strand). VCF-style: chr19-48297314-G-A. GRCh37 (hg19) VCF-style: chr19-48800571-G-A.
Other names: c.1675C>T, p.His559Tyr (NM_144577.4); short protein forms H559Y, H596Y.
Identifiers: ClinVar variation 1682858 (VCV001682858.5), dbSNP rs779854692, ClinGen allele CA9548565.
Genomic context (GRCh38, chr19:48,297,314, plus strand): 5'-CGTGCGTGATGTGGCTGGGCAAATGCCCAGTGCTGGAGCTGAGGCCGCCAAAAGTGACGT[G>A]GCCAAGAGAGCCACGGTCTCTGCTAGTCTTGTGGCTCAAAATGGACCCGGGGATGGCATG-3'
Protein context (NP_001351100.1, residues 586-606): KTSRDRGSLG[His596Tyr]VTFGGLSSST

ClinVar aggregate classification (germline): Uncertain significance. Review status: criteria provided, multiple submitters, no conflicts (2 of 4 stars). 2 submissions from 2 submitters: Uncertain significance (2). Last evaluated 2025-11-22.

Conditions:
Primary ciliary dyskinesia. Also called: Ciliary dyskinesia. Identifiers: Orphanet 244, MedGen C0008780, MONDO:0016575, HP:0012265.

Allele frequency attached by ClinVar (database versions not stated): gnomAD exomes 0.00002 and 0.00007; gnomAD 0.00004; TOPMed 0.00005; ExAC 0.00001.
gnomAD v4.1: 108 of 1,613,474 alleles (0.0067%); highest among the groups gnomAD compares: Non-Finnish European, 0.008%; no homozygotes.

Submissions (2):

Ambry Genetics
Classification: Uncertain significance for Primary ciliary dyskinesia. Last evaluated: 2025-11-22. Review status: criteria provided, single submitter. Criteria: Ambry Variant Classification Scheme 2023. Collection method: clinical testing. Allele origin: germline.
Comment: The p.H559Y variant (also known as c.1675C>T), located in coding exon 13 of the CCDC114 gene, results from a C to T substitution at nucleotide position 1675. The histidine at codon 559 is replaced by tyrosine, an amino acid with similar properties. This amino acid position is poorly conserved in available vertebrate species. In addition, this alteration is predicted to be tolerated by in silico analysis. Since supporting evidence is limited at this time, the clinical significance of this alteration remains unclear.

Labcorp Genetics (formerly Invitae), Labcorp
Classification: Uncertain significance for Primary ciliary dyskinesia. Last evaluated: 2022-09-07. Review status: criteria provided, single submitter. Criteria: Invitae Variant Classification Sherloc (09022015). Collection method: clinical testing. Allele origin: germline.
Comment: This sequence change replaces histidine, which is basic and polar, with tyrosine, which is neutral and polar, at codon 559 of the CCDC114 protein (p.His559Tyr). This variant is present in population databases (rs779854692, gnomAD 0.004%). This variant has not been reported in the literature in individuals affected with CCDC114-related conditions. ClinVar contains an entry for this variant (Variation ID: 1682858). Algorithms developed to predict the effect of missense changes on protein structure and function are either unavailable or do not agree on the potential impact of this missense change (SIFT: "Tolerated"; PolyPhen-2: "Possibly Damaging"; Align-GVGD: "Class C0"). In summary, the available evidence is currently insufficient to determine the role of this variant in disease. Therefore, it has been classified as a Variant of Uncertain Significance.